The following is an entry in ClinVar:

NM_003737.4(DCHS1):c.2468C>T (p.Pro823Leu)

Gene: DCHS1 (dachsous cadherin-related 1; minus strand). Cytogenetic location: 11p15.4.
Variant type: single nucleotide variant.
Coding change: c.2468C>T on transcript NM_003737.4 (MANE Select); coding-DNA position 2468, C replaced by T.
Protein change: p.Pro823Leu; replaces proline 823 with leucine.
Molecular consequence: missense variant.
Genome position (GRCh38, 1-based): chr11:6,633,044, G>A on the plus strand (C>T on the coding strand, the complement: DCHS1 is on the minus strand). VCF-style: chr11-6633044-G-A. GRCh37 (hg19) VCF-style: chr11-6654275-G-A.
Other names: short protein forms P823L.
Identifiers: ClinVar variation 2283826 (VCV002283826.4), dbSNP rs777910665, ClinGen allele CA5860715.

ClinVar aggregate classification (germline): Uncertain significance. Review status: criteria provided, multiple submitters, no conflicts (2 of 4 stars). 2 submissions from 2 submitters: Uncertain significance (2). Last evaluated 2025-01-11.

Conditions:
Inborn genetic diseases. Identifiers: MedGen C0950123, MeSH D030342.

Allele frequency attached by ClinVar (database versions not stated): gnomAD 0.00001; ExAC 0.00002; gnomAD exomes 0.00002.
gnomAD v4.1: 23 of 1,605,026 alleles (0.0014%); highest among the groups gnomAD compares: South Asian, 0.022%; no homozygotes.

Submissions (2):

Labcorp Genetics (formerly Invitae), Labcorp
Classification: Uncertain significance. Last evaluated: 2025-01-11. Review status: criteria provided, single submitter. Criteria: Invitae Variant Classification Sherloc (09022015). Collection method: clinical testing. Allele origin: germline.
Comment: This sequence change replaces proline, which is neutral and non-polar, with leucine, which is neutral and non-polar, at codon 823 of the DCHS1 protein (p.Pro823Leu). This variant is present in population databases (rs777910665, gnomAD 0.01%). This variant has not been reported in the literature in individuals affected with DCHS1-related conditions. ClinVar contains an entry for this variant (Variation ID: 2283826). Invitae Evidence Modeling of protein sequence and biophysical properties (such as structural, functional, and spatial information, amino acid conservation, physicochemical variation, residue mobility, and thermodynamic stability) indicates that this missense variant is not expected to disrupt DCHS1 protein function with a negative predictive value of 95%. In summary, the available evidence is currently insufficient to determine the role of this variant in disease. Therefore, it has been classified as a Variant of Uncertain Significance.

Ambry Genetics
Classification: Uncertain significance for Inborn genetic diseases. Last evaluated: 2021-08-11. Review status: criteria provided, single submitter. Criteria: Ambry Variant Classification Scheme 2023. Collection method: clinical testing. Allele origin: germline.